The following is an entry in ClinVar:

ClinVar aggregate classification (germline): Uncertain significance (1 of 4 stars; one submission).

Allele frequency attached by ClinVar (database versions not stated): gnomAD 0.00001; gnomAD exomes 0.00001.

Submission:

Labcorp Genetics (formerly Invitae), Labcorp
Classification: Uncertain significance. Last evaluated: 2022-11-15. Review status: criteria provided, single submitter. Criteria: Invitae Variant Classification Sherloc (09022015). Collection method: clinical testing. Allele origin: germline.
Comment: This variant has not been reported in the literature in individuals affected with GHRHR-related conditions. In summary, the available evidence is currently insufficient to determine the role of this variant in disease. Therefore, it has been classified as a Variant of Uncertain Significance. Advanced modeling of protein sequence and biophysical properties (such as structural, functional, and spatial information, amino acid conservation, physicochemical variation, residue mobility, and thermodynamic stability) performed at Invitae indicates that this missense variant is not expected to disrupt GHRHR protein function. ClinVar contains an entry for this variant (Variation ID: 1399231). This variant is present in population databases (no rsID available, gnomAD 0.002%). This sequence change replaces glycine, which is neutral and non-polar, with arginine, which is basic and polar, at codon 363 of the GHRHR protein (p.Gly363Arg).

NM_000823.4(GHRHR):c.1087G>A (p.Gly363Arg)

Gene: GHRHR (growth hormone releasing hormone receptor; plus strand). Cytogenetic location: 7p14.3.
Variant type: single nucleotide variant.
Coding change: c.1087G>A on transcript NM_000823.4 (MANE Select); coding-DNA position 1087, G replaced by A.
Protein change: p.Gly363Arg; replaces glycine 363 with arginine.
Molecular consequence: missense variant.
Genome position (GRCh38, 1-based): chr7:30,976,541, G>A. VCF-style: chr7-30976541-G-A. GRCh37 (hg19) VCF-style: chr7-31016156-G-A.
Other names: short protein forms G363R.
Identifiers: ClinVar variation 1399231 (VCV001399231.8), dbSNP rs1417562969, ClinGen allele CA367156373.